The following is an entry in ClinVar:

ClinVar aggregate classification (germline): Uncertain significance (1 of 4 stars; one submission).

Conditions:
Cardiovascular phenotype. Identifiers: MedGen CN230736.

Submission:

Ambry Genetics
Classification: Uncertain significance for Cardiovascular phenotype. Last evaluated: 2025-08-24. Review status: criteria provided, single submitter. Criteria: Ambry Variant Classification Scheme 2023. Collection method: clinical testing. Allele origin: germline.
Comment: The p.T406A variant (also known as c.1216A>G), located in coding exon 8 of the CBL gene, results from an A to G substitution at nucleotide position 1216. The threonine at codon 406 is replaced by alanine, an amino acid with similar properties. This amino acid position is conserved. In addition, the in silico prediction for this alteration is inconclusive. Based on the available evidence, the clinical significance of this variant remains unclear.

NM_005188.4(CBL):c.1216A>G (p.Thr406Ala)

Gene: CBL (Cbl proto-oncogene; plus strand). Cytogenetic location: 11q23.3.
Variant type: single nucleotide variant.
Coding change: c.1216A>G on transcript NM_005188.4 (MANE Select); coding-DNA position 1216, A replaced by G.
Protein change: p.Thr406Ala; replaces threonine 406 with alanine.
Molecular consequence: missense variant.
Genome position (GRCh38, 1-based): chr11:119,278,286, A>G. VCF-style: chr11-119278286-A-G. GRCh37 (hg19) VCF-style: chr11-119148996-A-G.
Other names: short protein forms T406A.
Identifiers: ClinVar variation 4219911 (VCV004219911.1).
Genomic context (GRCh38, chr11:119,278,286, plus strand): 5'-GAAAATGATAAGGATGTAAAGATTGAGCCCTGTGGACACCTCATGTGCACATCCTGTCTT[A>G]CATCCTGGCAGGTACGGATCTAAACAGCGACTTTTTTCAGCTATGTAATAACCTTGGAAA-3'
Protein context (NP_005179.2, residues 396-416): CGHLMCTSCL[Thr406Ala]SWQESEGQGC